The following is an entry in ClinVar:

ClinVar aggregate classification (germline): Uncertain significance (1 of 4 stars; one submission).

Allele frequency attached by ClinVar (database versions not stated): ExAC 0.00001; gnomAD 0.00001.
gnomAD v4.1: 11 of 1,613,890 alleles (0.00068%); highest among the groups gnomAD compares: Non-Finnish European, 0.00085%; no homozygotes.

Submission:

Labcorp Genetics (formerly Invitae), Labcorp
Classification: Uncertain significance. Last evaluated: 2023-12-11. Review status: criteria provided, single submitter. Criteria: Invitae Variant Classification Sherloc (09022015). Collection method: clinical testing. Allele origin: germline.
Comment: This sequence change replaces leucine, which is neutral and non-polar, with valine, which is neutral and non-polar, at codon 1227 of the NPHS1 protein (p.Leu1227Val). This variant is present in population databases (rs761873205, gnomAD 0.002%). This variant has not been reported in the literature in individuals affected with NPHS1-related conditions. ClinVar contains an entry for this variant (Variation ID: 2193083). Advanced modeling of protein sequence and biophysical properties (such as structural, functional, and spatial information, amino acid conservation, physicochemical variation, residue mobility, and thermodynamic stability) performed at Invitae indicates that this missense variant is not expected to disrupt NPHS1 protein function with a negative predictive value of 95%. In summary, the available evidence is currently insufficient to determine the role of this variant in disease. Therefore, it has been classified as a Variant of Uncertain Significance.

NM_004646.4(NPHS1):c.3679C>G (p.Leu1227Val)

Gene: NPHS1 (NPHS1 adhesion molecule, nephrin; minus strand). Cytogenetic location: 19q13.12.
Variant type: single nucleotide variant.
Coding change: c.3679C>G on transcript NM_004646.4 (MANE Select); coding-DNA position 3679, C replaced by G.
Protein change: p.Leu1227Val; replaces leucine 1227 with valine.
Molecular consequence: missense variant.
Genome position (GRCh38, 1-based): chr19:35,826,561, G>C on the plus strand (C>G on the coding strand, the complement: NPHS1 is on the minus strand). VCF-style: chr19-35826561-G-C. GRCh37 (hg19) VCF-style: chr19-36317463-G-C.
Other names: short protein forms L1227V.
Identifiers: ClinVar variation 2193083 (VCV002193083.2), dbSNP rs761873205, ClinGen allele CA9389672.